The following is an entry in ClinVar:

NM_004380.3(CREBBP):c.1984C>A (p.Gln662Lys)

Gene: CREBBP (CREB binding lysine acetyltransferase; minus strand). Cytogenetic location: 16p13.3.
Variant type: single nucleotide variant.
Coding change: c.1984C>A on transcript NM_004380.3 (MANE Select); coding-DNA position 1984, C replaced by A.
Protein change: p.Gln662Lys; replaces glutamine 662 with lysine.
Molecular consequence: missense variant.
Genome position (GRCh38, 1-based): chr16:3,778,140, G>T on the plus strand (C>A on the coding strand, the complement: CREBBP is on the minus strand). VCF-style: chr16-3778140-G-T. GRCh37 (hg19) VCF-style: chr16-3828141-G-T.
Other names: c.1870C>A, p.Gln624Lys (NM_001079846.1); short protein forms Q662K, Q624K.
Identifiers: ClinVar variation 2703284 (VCV002703284.3), dbSNP rs2141234339, ClinGen allele CA394554782.

ClinVar aggregate classification (germline): Uncertain significance (1 of 4 stars; one submission).

Conditions:
Rubinstein-Taybi syndrome (RSTS). Identifiers: Orphanet 783, MedGen C0035934, MONDO:0019188.

Submission:

Labcorp Genetics (formerly Invitae), Labcorp
Classification: Uncertain significance for Rubinstein-Taybi syndrome. Last evaluated: 2023-12-23. Review status: criteria provided, single submitter. Criteria: Invitae Variant Classification Sherloc (09022015). Collection method: clinical testing. Allele origin: germline.
Comment: This sequence change replaces glutamine, which is neutral and polar, with lysine, which is basic and polar, at codon 662 of the CREBBP protein (p.Gln662Lys). This variant is not present in population databases (gnomAD no frequency). This variant has not been reported in the literature in individuals affected with CREBBP-related conditions. Advanced modeling of protein sequence and biophysical properties (such as structural, functional, and spatial information, amino acid conservation, physicochemical variation, residue mobility, and thermodynamic stability) performed at Invitae indicates that this missense variant is expected to disrupt CREBBP protein function with a positive predictive value of 95%. In summary, the available evidence is currently insufficient to determine the role of this variant in disease. Therefore, it has been classified as a Variant of Uncertain Significance.